The following is an entry in ClinVar:

ClinVar aggregate classification (germline): Uncertain significance. Review status: criteria provided, multiple submitters, no conflicts (2 of 4 stars). 2 submissions from 2 submitters: Uncertain significance (2). Last evaluated 2026-06-26.

Conditions:
TTN-related disorder. Also called: TTN-related condition; TTN-related disease; TTN-related disorders.

Allele frequency attached by ClinVar (database versions not stated): gnomAD exomes below 0.00001; ExAC 0.00001; gnomAD 0.00002; TOPMed 0.00003.
gnomAD v4.1: 7 of 1,613,282 alleles (0.00043%); highest among the groups gnomAD compares: African/African-American, 0.0027%; no homozygotes.

Submissions (2):

PreventionGenetics, part of Exact Sciences
Classification: Uncertain significance for TTN-related condition. Last evaluated: 2026-06-26. Review status: criteria provided, single submitter. Criteria: ACMG Guidelines, 2015. Collection method: clinical testing. Allele origin: germline.
Comment: The TTN c.56900A>G variant is predicted to result in the amino acid substitution p.Asn18967Ser. To our knowledge, this variant has not been reported in the literature. This variant is reported in 0.0041% of alleles in individuals of African descent in gnomAD. At this time, the clinical significance of this variant is uncertain due to the absence of conclusive functional and genetic evidence.

Laboratory for Molecular Medicine, Mass General Brigham Personalized Medicine
Classification: Uncertain significance. Last evaluated: 2014-05-09. Review status: criteria provided, single submitter. Criteria: LMM Criteria. Collection method: clinical testing. Allele origin: germline. Observed: 1 variant allele.
Comment: The Asn16399Ser variant in TTN has not been previously reported in individual wi th cardiomyopathy or in large population studies. Computational prediction tools and conservation analysis suggest that this variant may impact the protein, tho ugh this information is not predictive enough to determine pathogenicity. In sum mary, the clinical significance of the Asn16399Ser variant is uncertain.

NM_001267550.2(TTN):c.56900A>G (p.Asn18967Ser)

Genes: TTN (titin; minus strand), TTN-AS1 (TTN antisense RNA 1; plus strand). Cytogenetic location: 2q31.2.
Variant type: single nucleotide variant.
Coding change: c.56900A>G on transcript NM_001267550.2 (MANE Select); coding-DNA position 56900, A replaced by G.
Protein change: p.Asn18967Ser; replaces asparagine 18967 with serine.
Molecular consequence: missense variant.
Genome position (GRCh38, 1-based): chr2:178,598,810, T>C on the plus strand (A>G on the coding strand, the complement: TTN is on the minus strand). VCF-style: chr2-178598810-T-C. GRCh37 (hg19) VCF-style: chr2-179463537-T-C.
Other names: c.49196A>G, p.Asn16399Ser (NM_133378.4); c.51977A>G, p.Asn17326Ser (NM_001256850.1); c.29705A>G, p.Asn9902Ser (NM_003319.4); c.30080A>G, p.Asn10027Ser (NM_133432.3); c.30281A>G, p.Asn10094Ser (NM_133437.4); short protein forms N16399S, N18967S, N10027S, N9902S, N10094S, N17326S.
Identifiers: ClinVar variation 165958 (VCV000165958.6), dbSNP rs727503594, ClinGen allele CA178683.
Genomic context (GRCh38, chr2:178,598,810, plus strand): 5'-ATTGGATCTCTAGCAGTCGCTGGGTCTGATGGCAGACTTGCTGGACCCACGCCAGCAGCA[T>C]TGATTGCATATACCCGGAATTGATAGTCGGAACCTTCAATAAGACCAGTCACTTTATAAG-3'
Protein context (NP_001254479.2, residues 18957-18977): SDYQFRVYAI[Asn18967Ser]AAGVGPASLP